The following is an entry in ClinVar:

NM_001330078.2(NRXN1):c.3189G>A (p.Pro1063=)

Gene: NRXN1 (neurexin 1; minus strand). Cytogenetic location: 2p16.3.
Variant type: single nucleotide variant.
Coding change: c.3189G>A on transcript NM_001330078.2 (MANE Select); coding-DNA position 3189, G replaced by A.
Protein change: p.Pro1063=; no amino-acid change (proline 1063 retained).
Molecular consequence: synonymous variant.
Genome position (GRCh38, 1-based): chr2:50,472,353, C>T on the plus strand (G>A on the coding strand, the complement: NRXN1 is on the minus strand). VCF-style: chr2-50472353-C-T. GRCh37 (hg19) VCF-style: chr2-50699491-C-T.
Other names: c.3309G>A, p.Pro1103= (NM_001135659.3); c.3165G>A, p.Pro1055= (NM_001330077.2, NM_001330082.2); c.3123G>A, p.Pro1041= (NM_001330083.2, NM_001330084.2); c.3162G>A, p.Pro1054= (NM_001330085.2); c.3189G>A, p.Pro1063= (NM_001330086.2, NM_004801.6); c.3078G>A, p.Pro1026= (NM_001330087.2, NM_001330096.2); c.3108G>A, p.Pro1036= (NM_001330088.2); c.3186G>A, p.Pro1062= (NM_001330093.2); and 3 more.
Identifiers: ClinVar variation 853285 (VCV000853285.10), dbSNP rs141566634, ClinGen allele CA1654648.

ClinVar aggregate classification (germline): Conflicting classifications of pathogenicity. Review status: criteria provided, conflicting classifications (1 of 4 stars). 2 submissions from 2 submitters: Uncertain significance (1); Likely benign (1). Last evaluated 2025-03-31.

Conditions:
Pitt-Hopkins-like syndrome 2 (PTHSL2). Identifiers: Orphanet 221150, Orphanet 600663, MedGen C3280479, MONDO:0013690, OMIM 614325.
NRXN1-related disorder.

Allele frequency attached by ClinVar (database versions not stated): gnomAD exomes 0.00002; ExAC 0.00003; gnomAD 0.00005 and 0.00006; TOPMed 0.00008.
gnomAD v4.1: 31 of 1,611,794 alleles (0.0019%); highest among the groups gnomAD compares: Middle Eastern, 0.033%; no homozygotes.

Submissions (2):

Labcorp Genetics (formerly Invitae), Labcorp
Classification: Likely benign for Pitt-Hopkins-like syndrome 2. Last evaluated: 2025-03-31. Review status: criteria provided, single submitter. Criteria: Invitae Variant Classification Sherloc (09022015). Collection method: clinical testing. Allele origin: germline.

PreventionGenetics, part of Exact Sciences
Classification: Uncertain significance for NRXN1-related condition. Last evaluated: 2023-04-26. Review status: criteria provided, single submitter. Criteria: ACMG Guidelines, 2015. Collection method: clinical testing. Allele origin: germline.
Comment: The NRXN1 c.3309G>A variant is not predicted to result in an amino acid change (p.=). which is predicted to create a new splice site (Alamut Visual Plus v.1.6.1). However, computer predictions are not equivalent to functional evidence. To our knowledge, this variant has not been reported in the literature. This variant is reported in 0.012% of alleles in individuals of African descent in gnomAD. At this time, the clinical significance of this variant is uncertain due to the absence of conclusive functional and genetic evidence.